The following is an entry in ClinVar:

NM_004415.4(DSP):c.2323C>T (p.Gln775Ter)

Gene: DSP (desmoplakin; plus strand). Cytogenetic location: 6p24.3.
Variant type: single nucleotide variant.
Coding change: c.2323C>T on transcript NM_004415.4 (MANE Select); coding-DNA position 2323, C replaced by T.
Protein change: p.Gln775Ter; replaces glutamine 775 with a stop codon.
Molecular consequence: nonsense.
Genome position (GRCh38, 1-based): chr6:7,574,682, C>T. VCF-style: chr6-7574682-C-T. GRCh37 (hg19) VCF-style: chr6-7574915-C-T.
Other names: c.2323C>T (LRG_423t1); c.2323C>T, p.Gln775Ter (NM_001008844.3, NM_001319034.2); short protein forms Q775*.
Identifiers: ClinVar variation 662318 (VCV000662318.7), dbSNP rs1581809567, ClinGen allele CA362681069.

ClinVar aggregate classification (germline): Pathogenic (1 of 4 stars; one submission).

Conditions:
Arrhythmogenic cardiomyopathy with wooly hair and keratoderma. Also called: Dilated cardiomyopathy with woolly hair and keratoderma; Arrhythmogenic cardiomyopathy with woolly hair and keratoderma; Carvajal syndrome; PALMOPLANTAR KERATODERMA WITH LEFT VENTRICULAR CARDIOMYOPATHY AND WOOLLY HAIR. Identifiers: Orphanet 65282, MedGen C1854063, MONDO:0011581, OMIM 605676.
Arrhythmogenic right ventricular dysplasia 8 (ARVD8). Also called: Arrhythmogenic Right Ventricular Dysplasia/Cardiomyopathy 8; ARRHYTHMOGENIC RIGHT VENTRICULAR CARDIOMYOPATHY 8; ARRHYTHMOGENIC RIGHT VENTRICULAR DYSPLASIA, FAMILIAL, 8. Identifiers: MedGen C1843896, MONDO:0011831, OMIM 607450.

Submission:

Labcorp Genetics (formerly Invitae), Labcorp
Classification: Pathogenic for Arrhythmogenic cardiomyopathy with wooly hair and keratoderma; Arrhythmogenic right ventricular dysplasia 8. Last evaluated: 2018-08-03. Review status: criteria provided, single submitter. Criteria: Invitae Variant Classification Sherloc (09022015). Collection method: clinical testing. Allele origin: germline.
Comment: This sequence change creates a premature translational stop signal (p.Gln775*) in the DSP gene. It is expected to result in an absent or disrupted protein product. This variant is not present in population databases (ExAC no frequency). This variant has not been reported in the literature in individuals with DSP-related disease. Loss-of-function variants in DSP are known to be pathogenic (PMID: 20716751, 24503780, 25227139). For these reasons, this variant has been classified as Pathogenic.

Literature cited by the submitters: PubMed 20716751; PubMed 24503780; PubMed 25227139.